The following is an entry in ClinVar:

ClinVar aggregate classification (germline): Benign/Likely benign. Review status: criteria provided, multiple submitters, no conflicts (2 of 4 stars). 4 submissions from 4 submitters: Benign (2); Likely benign (2). Last evaluated 2026-02-02.

Allele frequency attached by ClinVar (database versions not stated): 1000 Genomes Project 0.00659; 1000 Genomes Project 30x 0.00687; gnomAD 0.01277 and 0.01307; TOPMed 0.01327; gnomAD exomes 0.01367 and 0.01710; ESP Exome Variant Server 0.01508; ExAC 0.01640.
gnomAD v4.1: 26,983 of 1,608,698 alleles (1.7%); highest among the groups gnomAD compares: Non-Finnish European, 1.9%; 286 homozygotes.

Submissions (4):

Labcorp Genetics (formerly Invitae), Labcorp
Classification: Benign. Last evaluated: 2026-02-02. Review status: criteria provided, single submitter. Criteria: Invitae Variant Classification Sherloc (09022015). Collection method: clinical testing. Allele origin: germline.

Mayo Clinic Laboratories, Mayo Clinic
Classification: Benign. Last evaluated: 2024-02-21. Review status: criteria provided, single submitter. Criteria: ACMG Guidelines, 2015. Collection method: clinical testing. Allele origin: germline. Observed: 3 variant alleles.
Comment: BS1, BS2, BP4

Laboratory for Molecular Medicine, Mass General Brigham Personalized Medicine
Classification: Likely benign. Last evaluated: 2016-03-29. Review status: criteria provided, single submitter. Criteria: LMM Criteria. Collection method: clinical testing. Allele origin: germline.
Comment: Variant identified in a genome or exome case(s) and assessed due to predicted null impact of the variant or pathogenic assertions in the literature or databases. Disclaimer: This variant has not undergone full assessment. The following are preliminary notes: 1.6% of total chromosomes in ExAC, 2.4% European chromosomes

Breakthrough Genomics
Classification: Likely benign. Review status: criteria provided, single submitter. Criteria: ACMG Guidelines, 2015. Collection method: not provided. Allele origin: germline. Inheritance: Autosomal recessive inheritance. Affected: yes.

NM_012079.6(DGAT1):c.455A>G (p.Lys152Arg)

Gene: DGAT1 (diacylglycerol O-acyltransferase 1; minus strand). Cytogenetic location: 8q24.3.
Variant type: single nucleotide variant.
Coding change: c.455A>G on transcript NM_012079.6 (MANE Select); coding-DNA position 455, A replaced by G.
Protein change: p.Lys152Arg; replaces lysine 152 with arginine.
Molecular consequence: missense variant.
Genome position (GRCh38, 1-based): chr8:144,318,712, T>C on the plus strand (A>G on the coding strand, the complement: DGAT1 is on the minus strand). VCF-style: chr8-144318712-T-C. GRCh37 (hg19) VCF-style: chr8-145542375-T-C.
Other names: short protein forms K152R.
Identifiers: ClinVar variation 402589 (VCV000402589.13), dbSNP rs55907012, ClinGen allele CA4937042.
Genomic context (GRCh38, chr8:144,318,712, plus strand): 5'-CGCACACAGCAGGGTGAGCACACACGGAGGTGAGGGGCACTGCTTACCACCGCCAGGCGC[T>C]TCTCAACCTGGAATGCAGCCACAGCAAAGACATTGGCCGCTGTGGACAGAAGCACCAAGG-3'
Protein context (NP_036211.2, residues 142-162): VFAVAAFQVE[Lys152Arg]RLAVGALTEQ